The following is an entry in ClinVar:

NC_000016.9:g.(?_2034220)_(2136892_?)del

Genes: GFER (growth factor, augmenter of liver regeneration; plus strand), NHERF2 (NHERF family PDZ scaffold protein 2; plus strand), NPW (neuropeptide W; plus strand), NTHL1 (nth like DNA glycosylase 1; minus strand), SYNGR3 (synaptogyrin 3; plus strand) and 2 more. Cytogenetic location: 16p13.3.
Variant type: Deletion.
Identifiers: ClinVar variation 1455115 (VCV001455115.4).

ClinVar aggregate classification (germline): Pathogenic (1 of 4 stars; one submission).

Conditions:
Tuberous sclerosis 2 (TSC2). Identifiers: Orphanet 805, MedGen C1860707, MONDO:0013199, OMIM 613254.

Submission:

Labcorp Genetics (formerly Invitae), Labcorp
Classification: Pathogenic for Tuberous sclerosis 2. Last evaluated: 2021-09-18. Review status: criteria provided, single submitter. Criteria: Invitae Variant Classification Sherloc (09022015). Collection method: clinical testing. Allele origin: germline.
Comment: For these reasons, this variant has been classified as Pathogenic. A similar copy number variant has been observed in individual(s) with tuberous sclerosis complex (PMID: 17287951). This variant is a gross deletion of the genomic region encompassing exon(s) 1-38 of the TSC2 gene, which includes the initiator codon. This deletion extends beyond the assayed region for this gene and therefore may encompass additional genes. It is expected to result in an absent or disrupted protein product. Loss-of-function variants in TSC2 are known to be pathogenic (PMID: 10205261, 17304050).

Literature cited by the submitters: PubMed 17287951; PubMed 10205261; PubMed 17304050.